The following is an entry in ClinVar:

ClinVar aggregate classification (germline): Conflicting classifications of pathogenicity. Review status: criteria provided, conflicting classifications (1 of 4 stars). 4 submissions from 4 submitters: Uncertain significance (3); Likely benign (1). Last evaluated 2025-12-09.

Conditions:
Bethlem myopathy 1A. Also called: Bethlem Muscular Dystrophy; MYOPATHY, BENIGN CONGENITAL, WITH CONTRACTURES; Bethlem myopathy 1. Identifiers: Orphanet 610, MedGen CN029274, MONDO:0024530, OMIM 158810.
Inborn genetic diseases. Identifiers: MedGen C0950123, MeSH D030342.

Allele frequency attached by ClinVar (database versions not stated): gnomAD 0.00001; ExAC 0.00002; TOPMed 0.00002; gnomAD exomes 0.00004.
gnomAD v4.1: 17 of 1,614,138 alleles (0.0011%); highest among the groups gnomAD compares: Admixed American, 0.028%; no homozygotes.

Submissions (4):

Labcorp Genetics (formerly Invitae), Labcorp
Classification: Likely benign for Bethlem myopathy 1A. Last evaluated: 2025-12-09. Review status: criteria provided, single submitter. Criteria: Invitae Variant Classification Sherloc (09022015). Collection method: clinical testing. Allele origin: germline.

Ambry Genetics
Classification: Uncertain significance for Inborn genetic diseases. Last evaluated: 2025-09-11. Review status: criteria provided, single submitter. Criteria: Ambry Variant Classification Scheme 2023. Collection method: clinical testing. Allele origin: germline.

GeneDx
Classification: Uncertain significance. Last evaluated: 2023-04-12. Review status: criteria provided, single submitter. Criteria: GeneDx Variant Classification Process June 2021. Collection method: clinical testing. Allele origin: germline. Affected: yes.
Comment: In silico analysis supports that this missense variant has a deleterious effect on protein structure/function; Has not been previously published as pathogenic or benign to our knowledge

Revvity Omics, Revvity
Classification: Uncertain significance. Last evaluated: 2021-11-11. Review status: criteria provided, single submitter. Criteria: ACMG Guidelines, 2015. Collection method: clinical testing. Allele origin: germline.

NM_004369.4(COL6A3):c.5234A>G (p.Gln1745Arg)

Gene: COL6A3 (collagen type VI alpha 3 chain; minus strand). Cytogenetic location: 2q37.3.
Variant type: single nucleotide variant.
Coding change: c.5234A>G on transcript NM_004369.4 (MANE Select); coding-DNA position 5234, A replaced by G.
Protein change: p.Gln1745Arg; replaces glutamine 1745 with arginine.
Molecular consequence: missense variant.
Genome position (GRCh38, 1-based): chr2:237,366,953, T>C on the plus strand (A>G on the coding strand, the complement: COL6A3 is on the minus strand). VCF-style: chr2-237366953-T-C. GRCh37 (hg19) VCF-style: chr2-238275596-T-C.
Other names: c.3413A>G, p.Gln1138Arg (NM_057166.5); c.4616A>G, p.Gln1539Arg (NM_057167.4); c.5234A>G (NM_004369.3); short protein forms Q1138R, Q1539R, Q1745R.
Identifiers: ClinVar variation 1054554 (VCV001054554.13), dbSNP rs756781502, ClinGen allele CA2188715.